The following is an entry in ClinVar:

ClinVar aggregate classification (germline): Benign/Likely benign. Review status: criteria provided, multiple submitters, no conflicts (2 of 4 stars). 4 submissions from 4 submitters: Benign (1); Likely benign (3). Last evaluated 2026-01-20.

Conditions:
Nemaline myopathy 2 (NEM2). Also called: Nemaline myopathy 2, autosomal recessive. Identifiers: MedGen C1850569, MONDO:0009725, OMIM 256030.

Allele frequency attached by ClinVar (database versions not stated): gnomAD exomes 0.00029; ExAC 0.00078; gnomAD 0.00121 and 0.00131; TOPMed 0.00142; ESP Exome Variant Server 0.00144; 1000 Genomes Project 0.00220; 1000 Genomes Project 30x 0.00234.
gnomAD v4.1: 369 of 1,550,160 alleles (0.024%); highest among the groups gnomAD compares: African/African-American, 0.41%; no homozygotes.

Submissions (4):

Labcorp Genetics (formerly Invitae), Labcorp
Classification: Benign for Nemaline myopathy 2. Last evaluated: 2026-01-20. Review status: criteria provided, single submitter. Criteria: Invitae Variant Classification Sherloc (09022015). Collection method: clinical testing. Allele origin: germline.

Blueprint Genetics
Classification: Likely benign. Last evaluated: 2024-09-18. Review status: criteria provided, single submitter. Criteria: ACMG Guidelines, 2015. Collection method: clinical testing. Allele origin: germline.

GeneDx
Classification: Likely benign. Last evaluated: 2017-04-13. Review status: criteria provided, single submitter. Criteria: GeneDx Variant Classification (06012015). Collection method: clinical testing. Allele origin: germline. Affected: yes.
Comment: This variant is considered likely benign or benign based on one or more of the following criteria: it is a conservative change, it occurs at a poorly conserved position in the protein, it is predicted to be benign by multiple in silico algorithms, and/or has population frequency not consistent with disease.

Breakthrough Genomics
Classification: Likely benign. Review status: criteria provided, single submitter. Criteria: ACMG Guidelines, 2015. Collection method: not provided. Allele origin: germline. Inheritance: Autosomal recessive inheritance. Affected: yes.

NM_001164508.2(NEB):c.1035+16C>A

Gene: NEB (nebulin; minus strand). Cytogenetic location: 2q23.3.
Variant type: single nucleotide variant.
Coding change: c.1035+16C>A on transcript NM_001164508.2 (MANE Select); 16 bases into the intron after coding-DNA position 1035, C replaced by A.
Molecular consequence: intron variant.
Genome position (GRCh38, 1-based): chr2:151,709,640, G>T on the plus strand (C>A on the coding strand, the complement: NEB is on the minus strand). VCF-style: chr2-151709640-G-T. GRCh37 (hg19) VCF-style: chr2-152566154-G-T.
Other names: c.1035+16C>A (NM_004543.5, NM_001164507.2, NM_001271208.2).
Identifiers: ClinVar variation 388853 (VCV000388853.11), dbSNP rs141976907, ClinGen allele CA1911712.
Genomic context (GRCh38, chr2:151,709,640, plus strand): 5'-TATATACAAGAGCCAAAGTTATAAGAAATTTACCCACACTCAAACCATCAAGATAAATGG[G>T]ATGATTTCCTCATACCTTGCTAGCTGCCACACCAGCTTTTTTATTCATTTTATACTCTGG-3'